The following is an entry in ClinVar:

ClinVar aggregate classification (germline): Uncertain significance. Review status: criteria provided, multiple submitters, no conflicts (2 of 4 stars). 2 submissions from 2 submitters: Uncertain significance (2). Last evaluated 2025-06-23.

Conditions:
Hereditary cancer-predisposing syndrome. Also called: Neoplastic Syndromes, Hereditary; Hereditary Cancer Syndrome; Tumor predisposition; Hereditary neoplastic syndrome. Identifiers: Orphanet 140162, MedGen C0027672, MeSH D009386, MONDO:0015356.

Allele frequency attached by ClinVar (database versions not stated): gnomAD exomes below 0.00001 and 0.00001; ExAC 0.00002.
gnomAD v4.1: 2 of 1,613,998 alleles (0.00012%); highest among the groups gnomAD compares: Non-Finnish European, 0.00017%; no homozygotes.

Submissions (2):

Ambry Genetics
Classification: Uncertain significance for Hereditary cancer-predisposing syndrome. Last evaluated: 2025-06-23. Review status: criteria provided, single submitter. Criteria: Ambry Variant Classification Scheme 2023. Collection method: clinical testing. Allele origin: germline.
Comment: The p.V891E variant (also known as c.2672T>A), located in coding exon 20 of the MSH3 gene, results from a T to A substitution at nucleotide position 2672. The valine at codon 891 is replaced by glutamic acid, an amino acid with dissimilar properties. This amino acid position is not well conserved in available vertebrate species. In addition, this alteration is predicted to be deleterious by in silico analysis. Since supporting evidence is limited at this time, the clinical significance of this alteration remains unclear.

Labcorp Genetics (formerly Invitae), Labcorp
Classification: Uncertain significance. Last evaluated: 2025-01-26. Review status: criteria provided, single submitter. Criteria: Invitae Variant Classification Sherloc (09022015). Collection method: clinical testing. Allele origin: germline.
Comment: This sequence change replaces valine, which is neutral and non-polar, with glutamic acid, which is acidic and polar, at codon 891 of the MSH3 protein (p.Val891Glu). This variant is present in population databases (rs772476641, gnomAD 0.002%). This variant has not been reported in the literature in individuals affected with MSH3-related conditions. ClinVar contains an entry for this variant (Variation ID: 852639). An algorithm developed to predict the effect of missense changes on protein structure and function (PolyPhen-2) suggests that this variant is likely to be disruptive. In summary, the available evidence is currently insufficient to determine the role of this variant in disease. Therefore, it has been classified as a Variant of Uncertain Significance.

NM_002439.5(MSH3):c.2672T>A (p.Val891Glu)

Gene: MSH3 (mutS homolog 3; plus strand). Cytogenetic location: 5q14.1.
Variant type: single nucleotide variant.
Coding change: c.2672T>A on transcript NM_002439.5 (MANE Select); coding-DNA position 2672, T replaced by A.
Protein change: p.Val891Glu; replaces valine 891 with glutamic acid.
Molecular consequence: missense variant.
Genome position (GRCh38, 1-based): chr5:80,813,600, T>A. VCF-style: chr5-80813600-T-A. GRCh37 (hg19) VCF-style: chr5-80109419-T-A.
Other names: short protein forms V891E.
Identifiers: ClinVar variation 852639 (VCV000852639.11), dbSNP rs772476641, ClinGen allele CA3328324.